The following is an entry in ClinVar:

NM_022051.3(EGLN1):c.334G>C (p.Val112Leu)

Gene: EGLN1 (egl-9 family hypoxia inducible factor 1; minus strand). Cytogenetic location: 1q42.2.
Variant type: single nucleotide variant.
Coding change: c.334G>C on transcript NM_022051.3 (MANE Select); coding-DNA position 334, G replaced by C.
Protein change: p.Val112Leu; replaces valine 112 with leucine.
Molecular consequence: missense variant.
Genome position (GRCh38, 1-based): chr1:231,421,555, C>G on the plus strand (G>C on the coding strand, the complement: EGLN1 is on the minus strand). VCF-style: chr1-231421555-C-G. GRCh37 (hg19) VCF-style: chr1-231557301-C-G.
Other names: c.334G>C, p.Val112Leu (NM_001377260.1, NM_001377261.1); short protein forms V112L.
Identifiers: ClinVar variation 4870306 (VCV004870306.1).

ClinVar aggregate classification (germline): Uncertain significance (1 of 4 stars; one submission).

Submission:

Ambry Genetics
Classification: Uncertain significance. Last evaluated: 2026-03-17. Review status: criteria provided, single submitter. Criteria: Ambry Variant Classification Scheme 2023. Collection method: clinical testing. Allele origin: germline.
Comment: The p.V112L variant (also known as c.334G>C), located in coding exon 1 of the EGLN1 gene, results from a G to C substitution at nucleotide position 334. The valine at codon 112 is replaced by leucine, an amino acid with highly similar properties. This amino acid position is conserved. In addition, this alteration is predicted to be tolerated by in silico analysis. Based on the available evidence, the clinical significance of this variant remains unclear.